The following is an entry in ClinVar:

NM_152295.5(TARS1):c.1731-9dup

Gene: TARS1 (threonyl-tRNA synthetase 1; plus strand). Cytogenetic location: 5p13.3.
Variant type: Duplication.
Coding change: c.1731-9dup on transcript NM_152295.5 (MANE Select); 9 bases into the intron before coding-DNA position 1731, one base duplicated (T; older notation c.1731-9dupT).
Molecular consequence: intron variant.
Genome position (GRCh38, 1-based): chr5:33,462,090, T duplicated; the last of 10 consecutive T bases (chr5:33,462,081-33,462,090); duplicating any one gives the same sequence. VCF-style (leftmost placement, unchanged base first): chr5-33462080-A-AT. GRCh37 (hg19) VCF-style: chr5-33462185-A-AT.
Other names: c.1731-9dup (NM_001258437.1); c.1830-9dup (NM_001258438.2).
Identifiers: ClinVar variation 3056095 (VCV003056095.2), dbSNP rs141407192, ClinGen allele CA3223461.
Genomic context (GRCh38, chr5:33,462,080, plus strand): 5'-GTCTGCTCTGAATATTCTCCAGGGATATATAAGAGAAAATATATATAATAAGACAAAACA[A>AT]TTTTTTTTTTCTTTATAGCCATGATGGTGATGATAAGAAAAGGCCAGTGATTGTTCATCG-3'

ClinVar aggregate classification (germline): Benign (0 of 4 stars; one submission).

Conditions:
TARS1-related disorder. Also called: TARS1-related condition.

Submission:

PreventionGenetics, part of Exact Sciences
Classification: Benign for TARS1-related condition. Last evaluated: 2019-10-30. Review status: no assertion criteria provided. Collection method: clinical testing. Allele origin: germline.
Comment: This variant is classified as benign based on ACMG/AMP sequence variant interpretation guidelines (Richards et al. 2015 PMID: 25741868, with internal and published modifications).